The following is an entry in ClinVar:

NM_000352.6(ABCC8):c.4135C>T (p.Arg1379Cys)

Gene: ABCC8 (ATP binding cassette subfamily C member 8; minus strand). Cytogenetic location: 11p15.1.
Variant type: single nucleotide variant.
Coding change: c.4135C>T on transcript NM_000352.6 (MANE Select); coding-DNA position 4135, C replaced by T.
Protein change: p.Arg1379Cys; replaces arginine 1379 with cysteine.
Molecular consequence: missense variant. On other transcripts: non-coding transcript variant (1).
Genome position (GRCh38, 1-based): chr11:17,395,915, G>A on the plus strand (C>T on the coding strand, the complement: ABCC8 is on the minus strand). VCF-style: chr11-17395915-G-A. GRCh37 (hg19) VCF-style: chr11-17417462-G-A.
Other names: c.4138C>T, p.Arg1380Cys (NM_001287174.3); c.4201C>T, p.Arg1401Cys (NM_001351295.2); c.4135C>T, p.Arg1379Cys (NM_001351296.2); c.4132C>T, p.Arg1378Cys (NM_001351297.2); short protein forms R1379C, R1380C, R1378C, R1401C.
Identifiers: ClinVar variation 9105 (VCV000009105.20), dbSNP rs137852673, ClinGen allele CA120112.
Genomic context (GRCh38, chr11:17,395,915, plus strand): 5'-CGAACGTGTCCACCATGCGGAAGAAGGCAAGAGAGAAGGAGGACTTCCCACTGCCGGTGC[G>A]GCCGCAGATCCCGATCTGGAAAGAGAGAAGCAGGCACCGCCACTGGGACTCTGGGGCTGC-3'
Protein context (NP_000343.2, residues 1369-1389): APGQKIGICG[Arg1379Cys]TGSGKSSFSL

ClinVar aggregate classification (germline): Pathogenic/Likely pathogenic. Review status: criteria provided, multiple submitters, no conflicts (2 of 4 stars). 7 submissions from 6 submitters: Pathogenic (3); Likely pathogenic (1). 3 of the submissions do not count toward it. Last evaluated 2024-11-26.

Conditions:
ABCC8-related disorder.
Monogenic diabetes. Identifiers: Orphanet 183625, MedGen C3888631, MONDO:0015967.
Permanent neonatal diabetes mellitus (PNDM). Identifiers: Orphanet 99885, MedGen C1833104, MONDO:0100164, MONDO:0011643. Disease mechanism: gain of function.
Diabetes mellitus, transient neonatal, 2 (TNDM2). Identifiers: Orphanet 99886, MedGen C1835887, MONDO:0012480, OMIM 610374. Disease mechanism: loss of function.
Type 2 diabetes mellitus. Also called: Type II diabetes mellitus. Identifiers: MedGen C0011860, MeSH D003924, MONDO:0005148, OMIM 125853, HP:0005978.

Allele frequency attached by ClinVar (database versions not stated): ExAC 0.00003.
gnomAD v4.1: 1 of 1,585,258 alleles (0.000063%); highest among the groups gnomAD compares: Admixed American, 0.0018%; no homozygotes.

Submissions (7):

Blueprint Genetics
Classification: Pathogenic for ABCC8-related disorders. Last evaluated: 2024-11-26. Review status: criteria provided, single submitter. Criteria: ACMG Guidelines, 2015. Collection method: clinical testing. Allele origin: germline. Affected: yes. Observed: 1 variant allele.

Labcorp Genetics (formerly Invitae), Labcorp
Classification: Pathogenic. Last evaluated: 2024-02-13. Review status: criteria provided, single submitter. Criteria: Invitae Variant Classification Sherloc (09022015). Collection method: clinical testing. Allele origin: germline.
Comment: This sequence change replaces arginine, which is basic and polar, with cysteine, which is neutral and slightly polar, at codon 1379 of the ABCC8 protein (p.Arg1379Cys). The frequency data for this variant in the population databases is considered unreliable, as metrics indicate poor data quality at this position in the gnomAD database. This missense change has been observed in individuals with autosomal dominant ABCC8-related early onset diabetes (PMID: 16885549, 17446535, 27681997). This variant is also known as R1380C. ClinVar contains an entry for this variant (Variation ID: 9105). Advanced modeling of protein sequence and biophysical properties (such as structural, functional, and spatial information, amino acid conservation, physicochemical variation, residue mobility, and thermodynamic stability) performed at Invitae indicates that this missense variant is expected to disrupt ABCC8 protein function with a positive predictive value of 95%. Experimental studies have shown that this missense change affects ABCC8 function (PMID: 18025464). This variant disrupts the p.Arg1379 amino acid residue in ABCC8. Other variant(s) that disrupt this residue have been observed in individuals with ABCC8-related conditions (PMID: 17446535), which suggests that this may be a clinically significant amino acid residue. For these reasons, this variant has been classified as Pathogenic.

Broad Center for Mendelian Genomics, Broad Institute of MIT and Harvard
Classification: Likely pathogenic for Monogenic diabetes. Last evaluated: 2020-01-22. Review status: criteria provided, single submitter. Criteria: ACMG Guidelines, 2015. Collection method: curation. Allele origin: germline. Inheritance: Autosomal dominant inheritance.
Comment: The p.Arg1379Cys (sometimes called p.Arg1380Cys) variant in ABCC8 has been reported in 7 individuals with Monogenic Diabetes, segregated with disease in 4 affected relatives from 1 family (PMID: 16885549, 17446535, 25306193), and has been identified in 0.003286% (1/30434) of Latino chromosomes by the Genome Aggregation Database (gnomAD; dbSNP rs137852673). Although this variant has been seen in the general population, its frequency is low enough to be consistent with a carrier frequency. Please note that for diseases with clinical variability, or reduced penetrance, pathogenic variants may be present at a low frequency in the general population. Trio analysis showed this variant to be de novo with unconfirmed maternity and paternity in one individual reported in the literature (PMID: 17446535). This variant has also been reported pathogenic in ClinVar (Variation ID: 9105). In vitro functional studies provide some evidence that the p.Arg1379Cys variant may slightly increase the rate of ATP hydrolysis (PMID: 18025464). However, these types of assays may not accurately represent biological function. Computational prediction tools and conservation analyses suggest that this variant may impact the protein, though this information is not predictive enough to determine pathogenicity. Three additional variants with a different amino acid change at the same position, (p.Arg1379His, p.Arg1379Leu and p.Arg1379Ser), have been reported in association with disease in ClinVar or have been curated likely pathogenic or as variants of uncertain significance by our study, supporting that a change at this position may not be tolerated (Variation ID: 35615, 35614). In summary, although additional studies are required to fully establish its clinical significance, this variant is likely pathogenic. ACMG/AMP Criteria applied: PM6, PM5_supporting, PS3_supporting, PM2_Supporting, PP3, PS4_Supporting, PP1 (Richards 2015).

Genetic Services Laboratory, University of Chicago
Classification: Pathogenic for Diabetes mellitus, permanent neonatal. Last evaluated: 2016-03-01. Review status: criteria provided, single submitter. Criteria: ACMG Guidelines, 2015. Collection method: clinical testing. Allele origin: germline. Affected: yes.

PreventionGenetics, part of Exact Sciences
Classification: Pathogenic for ABCC8-related condition. Last evaluated: 2024-03-28. Review status: no assertion criteria provided. Collection method: clinical testing. Allele origin: germline. Not counted in ClinVar's aggregate classification.
Comment: The ABCC8 c.4135C>T variant is predicted to result in the amino acid substitution p.Arg1379Cys. This variant has been reported to be pathogenic for transient neonatal diabetes (TNDM) in an autosomal dominant manner (Babenko et al. 2006. PubMed ID: 16885549). Of note, different substitutions at the same codon have also been reported to cause neonatal diabetes (p.Arg1379Ser at Bennett et al. 2015. PubMed ID: 25555642; p.Arg1379His reported as R1380H at Bowman et al. 2012. PubMed ID: 21989597; p.Arg1379Leu reported as R1380L at Rafiq et al. 2008. PubMed ID: 18025408).This variant is reported in 0.0033% of alleles in individuals of Latino descent in gnomAD. This variant is interpreted as pathogenic.

OMIM
Classification: Pathogenic for DIABETES MELLITUS, TRANSIENT NEONATAL, 2. Last evaluated: 2007-11-27. Review status: no assertion criteria provided. Collection method: literature only. Allele origin: germline. Not counted in ClinVar's aggregate classification.

OMIM
Classification: Pathogenic for TYPE 2 DIABETES MELLITUS. Last evaluated: 2007-11-27. Review status: no assertion criteria provided. Collection method: literature only. Allele origin: germline. Not counted in ClinVar's aggregate classification.

Literature cited by the submitters: PubMed 16885549 (cited by 3 submitters); PubMed 17446535 (cited by Labcorp Genetics (formerly Invitae), Labcorp and Broad Center for Mendelian Genomics, Broad Institute of MIT and Harvard); PubMed 27681997 (cited by Labcorp Genetics (formerly Invitae), Labcorp); PubMed 18025464 (cited by 3 submitters); PubMed 25306193 (cited by Broad Center for Mendelian Genomics, Broad Institute of MIT and Harvard).